The following is an entry in ClinVar:

ClinVar aggregate classification (germline): Likely benign (0 of 4 stars; one submission).

Conditions:
CTTNBP2-related disorder. Also called: CTTNBP2-related condition.

Allele frequency attached by ClinVar (database versions not stated): gnomAD 0.00003; ExAC 0.00007.
gnomAD v4.1: 161 of 1,478,538 alleles (0.011%); highest among the groups gnomAD compares: Non-Finnish European, 0.014%; no homozygotes.

Submission:

PreventionGenetics, part of Exact Sciences
Classification: Likely benign for CTTNBP2-related condition. Last evaluated: 2021-12-06. Review status: no assertion criteria provided. Collection method: clinical testing. Allele origin: germline.
Comment: This variant is classified as likely benign based on ACMG/AMP sequence variant interpretation guidelines (Richards et al. 2015 PMID: 25741868, with internal and published modifications).

NM_033427.3(CTTNBP2):c.45C>G (p.Ala15=)

Gene: CTTNBP2 (cortactin binding protein 2; minus strand). Cytogenetic location: 7q31.31.
Variant type: single nucleotide variant.
Coding change: c.45C>G on transcript NM_033427.3 (MANE Select); coding-DNA position 45, C replaced by G.
Protein change: p.Ala15=; no amino-acid change (alanine 15 retained).
Molecular consequence: synonymous variant. On other transcripts: 5 prime UTR variant (1).
Genome position (GRCh38, 1-based): chr7:117,873,371, G>C on the plus strand (C>G on the coding strand, the complement: CTTNBP2 is on the minus strand). VCF-style: chr7-117873371-G-C. GRCh37 (hg19) VCF-style: chr7-117513425-G-C.
Other names: c.-1890C>G (NM_001363351.1).
Identifiers: ClinVar variation 3031330 (VCV003031330.2), dbSNP rs760088337, ClinGen allele CA4453000.
Genomic context (GRCh38, chr7:117,873,371, plus strand): 5'-CGCCCGCCCCGGGAACTCGGTTACCGCCGCCTCCGCCGCGGCCCCCGCCGCGTCCTCCGG[G>C]GCCCGGGACAAGTCGGGCTCGCAGCTCGCGCCGTCCGTCGCCATCTTCCTGCTCTAGCGG-3'
Protein context (NP_219499.1, residues 5-25): GASCEPDLSR[Ala15=]PEDAAGAAAE